The following is an entry in ClinVar:

ClinVar aggregate classification (germline): Likely benign. Review status: criteria provided, multiple submitters, no conflicts (2 of 4 stars). 3 submissions from 3 submitters: Likely benign (3). Last evaluated 2023-05-09.

Allele frequency attached by ClinVar (database versions not stated): TOPMed 0.00005; gnomAD 0.00006 and 0.00007; gnomAD exomes 0.00006; ExAC 0.00007; ESP Exome Variant Server 0.00008.
gnomAD v4.1: 42 of 900,468 alleles (0.0047%); highest among the groups gnomAD compares: Middle Eastern, 0.065%; no homozygotes.

Submissions (3):

Blueprint Genetics
Classification: Likely benign. Last evaluated: 2023-05-09. Review status: criteria provided, single submitter. Criteria: ACMG Guidelines, 2015. Collection method: clinical testing. Allele origin: germline.

Labcorp Genetics (formerly Invitae), Labcorp
Classification: Likely benign. Last evaluated: 2023-04-12. Review status: criteria provided, single submitter. Criteria: Invitae Variant Classification Sherloc (09022015). Collection method: clinical testing. Allele origin: germline.

GeneDx
Classification: Likely benign. Last evaluated: 2017-11-17. Review status: criteria provided, single submitter. Criteria: GeneDx Variant Classification (06012015). Collection method: clinical testing. Allele origin: germline. Affected: yes.
Comment: This variant is considered likely benign or benign based on one or more of the following criteria: it is a conservative change, it occurs at a poorly conserved position in the protein, it is predicted to be benign by multiple in silico algorithms, and/or has population frequency not consistent with disease.

NM_001349.4(DARS1):c.1230+17T>C

Gene: DARS1 (aspartyl-tRNA synthetase 1; minus strand). Cytogenetic location: 2q21.3.
Variant type: single nucleotide variant.
Coding change: c.1230+17T>C on transcript NM_001349.4 (MANE Select); 17 bases into the intron after coding-DNA position 1230, T replaced by C.
Molecular consequence: intron variant.
Genome position (GRCh38, 1-based): chr2:135,912,469, A>G on the plus strand (T>C on the coding strand, the complement: DARS1 is on the minus strand). VCF-style: chr2-135912469-A-G. GRCh37 (hg19) VCF-style: chr2-136670039-A-G.
Other names: c.930+17T>C (NM_001293312.1).
Identifiers: ClinVar variation 513252 (VCV000513252.6), dbSNP rs369649828, ClinGen allele CA1889529.